The following is an entry in ClinVar:

NM_001243133.2(NLRP3):c.570G>A (p.Lys190=)

Gene: NLRP3 (NLR family pyrin domain containing 3; plus strand). Cytogenetic location: 1q44.
Variant type: single nucleotide variant.
Coding change: c.570G>A on transcript NM_001243133.2 (MANE Select); coding-DNA position 570, G replaced by A.
Protein change: p.Lys190=; no amino-acid change (lysine 190 retained).
Molecular consequence: synonymous variant.
Genome position (GRCh38, 1-based): chr1:247,424,019, G>A. VCF-style: chr1-247424019-G-A. GRCh37 (hg19) VCF-style: chr1-247587321-G-A.
Other names: c.570G>A, p.Lys190= (NM_001079821.3, NM_001127461.3, NM_001127462.3 and 1 more transcripts); c.576G>A, p.Lys192= (NM_004895.5).
Identifiers: ClinVar variation 512241 (VCV000512241.1), dbSNP rs1553286256, ClinGen allele CA424573223.
Genomic context (GRCh38, chr1:247,424,019, plus strand): 5'-TCTCATCAAGGAGCACCGGAGCCAGCAGGAGAGGGAGCAGGAGCTTCTGGCCATCGGCAA[G>A]ACCAAGACGTGTGAGAGCCCCGTGAGTCCCATTAAGATGGAGTTGCTGTTTGACCCCGAT-3'
Protein context (NP_001230062.1, residues 180-200): EREQELLAIG[Lys190=]TKTCESPVSP

ClinVar aggregate classification (germline): Likely benign (1 of 4 stars; one submission).

Submission:

GeneDx
Classification: Likely benign. Last evaluated: 2017-09-19. Review status: criteria provided, single submitter. Criteria: GeneDx Variant Classification (06012015). Collection method: clinical testing. Allele origin: germline. Affected: yes.
Comment: This variant is considered likely benign or benign based on one or more of the following criteria: it is a conservative change, it occurs at a poorly conserved position in the protein, it is predicted to be benign by multiple in silico algorithms, and/or has population frequency not consistent with disease.